The following is an entry in ClinVar:

NM_000245.4(MET):c.2505T>C (p.Tyr835=)

Gene: MET (MET proto-oncogene, receptor tyrosine kinase; plus strand). Cytogenetic location: 7q31.2.
Variant type: single nucleotide variant.
Coding change: c.2505T>C on transcript NM_000245.4 (MANE Select); coding-DNA position 2505, T replaced by C.
Protein change: p.Tyr835=; no amino-acid change (tyrosine 835 retained).
Molecular consequence: synonymous variant.
Genome position (GRCh38, 1-based): chr7:116,763,190, T>C. VCF-style: chr7-116763190-T-C. GRCh37 (hg19) VCF-style: chr7-116403244-T-C.
Other names: c.2559T>C, p.Tyr853= (NM_001127500.3); c.2505T>C, p.Tyr835= (NM_001324401.3); c.1215T>C, p.Tyr405= (NM_001324402.2).
Identifiers: ClinVar variation 3773096 (VCV003773096.1).
Genomic context (GRCh38, chr7:116,763,190, plus strand): 5'-GAAAACCAAAGCCTTTTTCATGTTAGATGGGATCCTTTCCAAATACTTTGATCTCATTTA[T>C]GTACATAATCCTGTGTTTAAGCCTTTTGAAAAGCCAGTGATGATCTCAATGGGCAATGAA-3'
Protein context (NP_000236.2, residues 825-845): GILSKYFDLI[Tyr835=]VHNPVFKPFE

ClinVar aggregate classification (germline): Benign (1 of 4 stars; one submission).

Conditions:
Papillary renal cell carcinoma type 1 (RCCP1). Also called: Renal adenocarcinoma; Renal cell carcinoma 1; Renal cell carcinoma, somatic; RENAL CELL CARCINOMA, PAPILLARY, 1, SOMATIC. Identifiers: Orphanet 47044, MedGen C1336839, OMIM 605074, HP:0011797.

Submission:

Myriad Genetics, Inc.
Classification: Benign for Papillary renal cell carcinoma type 1. Last evaluated: 2024-11-11. Review status: criteria provided, single submitter. Criteria: Myriad Autosomal Dominant, Autosomal Recessive and X-Linked Classification Criteria (2023). Collection method: clinical testing. Allele origin: unknown.
Comment: This variant is considered benign. This variant is a silent/synonymous amino acid change and it is not expected to impact splicing.